The following is an entry in ClinVar:

NM_031935.3(HMCN1):c.10682C>T (p.Thr3561Ile)

Gene: HMCN1 (hemicentin 1; plus strand). Cytogenetic location: 1q31.1.
Variant type: single nucleotide variant.
Coding change: c.10682C>T on transcript NM_031935.3 (MANE Select); coding-DNA position 10682, C replaced by T.
Protein change: p.Thr3561Ile; replaces threonine 3561 with isoleucine.
Molecular consequence: missense variant.
Genome position (GRCh38, 1-based): chr1:186,103,580, C>T. VCF-style: chr1-186103580-C-T. GRCh37 (hg19) VCF-style: chr1-186072712-C-T.
Other names: short protein forms T3561I.
Identifiers: ClinVar variation 2716286 (VCV002716286.3), dbSNP rs2527962982, ClinGen allele CA343935054.

ClinVar aggregate classification (germline): Uncertain significance (1 of 4 stars; one submission).

Allele frequency attached by ClinVar (database versions not stated): gnomAD exomes below 0.00001.
gnomAD v4.1: 2 of 1,613,846 alleles (0.00012%); highest among the groups gnomAD compares: African/African-American, 0.0027%; no homozygotes.

Submission:

Labcorp Genetics (formerly Invitae), Labcorp
Classification: Uncertain significance. Last evaluated: 2026-01-27. Review status: criteria provided, single submitter. Criteria: Invitae Variant Classification Sherloc (09022015). Collection method: clinical testing. Allele origin: germline.
Comment: This sequence change replaces threonine, which is neutral and polar, with isoleucine, which is neutral and non-polar, at codon 3561 of the HMCN1 protein (p.Thr3561Ile). This variant is not present in population databases (gnomAD no frequency). This missense change has been observed in individual(s) with retinitis pigmentosa (PMID: 28512305). ClinVar contains an entry for this variant (Variation ID: 2716286). An algorithm developed to predict the effect of missense changes on protein structure and function (PolyPhen-2) suggests that this variant is likely to be disruptive. In summary, the available evidence is currently insufficient to determine the role of this variant in disease. Therefore, it has been classified as a Variant of Uncertain Significance.

Literature cited by the submitters: PubMed 28512305.